The following is an entry in ClinVar:

ClinVar aggregate classification (germline): Uncertain significance (1 of 4 stars; one submission).

Conditions:
Hereditary cancer-predisposing syndrome. Also called: Neoplastic Syndromes, Hereditary; Hereditary Cancer Syndrome; Tumor predisposition; Hereditary neoplastic syndrome. Identifiers: Orphanet 140162, MedGen C0027672, MeSH D009386, MONDO:0015356.

Submission:

Ambry Genetics
Classification: Uncertain significance for Hereditary cancer-predisposing syndrome. Last evaluated: 2025-01-21. Review status: criteria provided, single submitter. Criteria: Ambry Variant Classification Scheme 2023. Collection method: clinical testing. Allele origin: germline.
Comment: The c.4732_4734delGAG variant (also known as p.E1578del) is located in coding exon 37 of the POLE gene. This variant results from an in-frame GAG deletion at nucleotide positions 4732 to 4734. This results in the in-frame deletion of a glutamic acid at codon 1578. This amino acid position is highly conserved in available vertebrate species. In addition, this alteration is predicted to be deleterious by in silico analysis (Choi Y et al. PLoS ONE. 2012; 7(10):e46688). Based on the available evidence, the clinical significance of this variant remains unclear.

NM_006231.2:c.4732_4734delGAG

Gene: POLE (DNA polymerase epsilon, catalytic subunit; minus strand).
Variant type: Deletion.
Identifiers: ClinVar variation 3781508 (VCV003781508.1).